The following is an entry in ClinVar:

ClinVar aggregate classification (germline): Uncertain significance (1 of 4 stars; one submission).

gnomAD v4.1: 4 of 1,614,094 alleles (0.00025%); highest among the groups gnomAD compares: Non-Finnish European, 0.00034%; no homozygotes.

Submission:

Labcorp Genetics (formerly Invitae), Labcorp
Classification: Uncertain significance. Last evaluated: 2025-01-27. Review status: criteria provided, single submitter. Criteria: Invitae Variant Classification Sherloc (09022015). Collection method: clinical testing. Allele origin: germline.
Comment: This sequence change replaces histidine, which is basic and polar, with tyrosine, which is neutral and polar, at codon 3689 of the FAT2 protein (p.His3689Tyr). This variant is not present in population databases (gnomAD no frequency). This variant has not been reported in the literature in individuals affected with FAT2-related conditions. An algorithm developed to predict the effect of missense changes on protein structure and function (PolyPhen-2) suggests that this variant is likely to be disruptive. In summary, the available evidence is currently insufficient to determine the role of this variant in disease. Therefore, it has been classified as a Variant of Uncertain Significance.

NM_001447.3(FAT2):c.11065C>T (p.His3689Tyr)

Genes: FAT2 (FAT atypical cadherin 2; minus strand), SLC36A1 (solute carrier family 36 member 1; plus strand). Cytogenetic location: 5q33.1.
Variant type: single nucleotide variant.
Coding change: c.11065C>T on transcript NM_001447.3 (MANE Select); coding-DNA position 11065, C replaced by T.
Protein change: p.His3689Tyr; replaces histidine 3689 with tyrosine.
Molecular consequence: missense variant.
Genome position (GRCh38, 1-based): chr5:151,521,528, G>A on the plus strand (C>T on the coding strand, the complement: FAT2 is on the minus strand). VCF-style: chr5-151521528-G-A. GRCh37 (hg19) VCF-style: chr5-150901089-G-A.
Other names: short protein forms H3689Y.
Identifiers: ClinVar variation 3669280 (VCV003669280.2).